The following is an entry in ClinVar:

ClinVar aggregate classification (germline): Pathogenic (1 of 4 stars; one submission).

Conditions:
Intellectual developmental disorder with autism and macrocephaly. Also called: Autism, susceptibility to, 18; CHD8-Related Neurodevelopmental Disorder with Overgrowth. Identifiers: Orphanet 642675, MedGen C3554373, MONDO:0014017, OMIM 615032.

Submission:

Variantyx, Inc.
Classification: Pathogenic for Intellectual developmental disorder with autism and macrocephaly. Last evaluated: 2025-07-08. Review status: criteria provided, single submitter. Criteria: Variantyx Assertion Criteria 2022. Collection method: clinical testing. Allele origin: de novo. Inheritance: Autosomal dominant inheritance. Affected: yes.
Comment: This is a frameshift variant in the CHD8 gene (OMIM: 610528). Pathogenic variants in this gene have been associated with autosomal dominant intellectual developmental disorder with autism and macrocephaly. The alteration introduces a premature termination codon in exon 3 out of 38 and is expected to result in loss of function, which is a known disease mechanism for CHD8 in this disorder (PMID: 36302072) (PVS1). This variant is absent from control populations (PM2) and it has not been reported in individuals with CHD8-related disorders in the databases available for review. Based on the current evidence, this variant is classified as pathogenic for autosomal dominant intellectual developmental disorder with autism and macrocephaly.

Literature cited by the submitters: PubMed 36302072.

NM_001170629.2(CHD8):c.1108_1109insT (p.Thr370fs)

Gene: CHD8 (chromodomain helicase DNA binding protein 8; minus strand). Cytogenetic location: 14q11.2.
Variant type: Insertion.
Coding change: c.1108_1109insT on transcript NM_001170629.2 (MANE Select); coding-DNA positions 1108 to 1109, T inserted.
Protein change: p.Thr370fs; shifts the reading frame from threonine 370.
Molecular consequence: frameshift variant.
Genome position: GRCh38 VCF-style: chr14-21429070-G-GA. GRCh37 (hg19) VCF-style: chr14-21897229-G-GA.
Other names: c.271_272insT, p.Thr91fs (NM_020920.4); short protein forms T370fs, T91fs.
Identifiers: ClinVar variation 4849968 (VCV004849968.1).